The following is an entry in ClinVar:

ClinVar aggregate classification (germline): Uncertain significance (1 of 4 stars; one submission).

Allele frequency attached by ClinVar (database versions not stated): TOPMed below 0.00001.

Submission:

Labcorp Genetics (formerly Invitae), Labcorp
Classification: Uncertain significance. Last evaluated: 2024-01-25. Review status: criteria provided, single submitter. Criteria: Invitae Variant Classification Sherloc (09022015). Collection method: clinical testing. Allele origin: germline.
Comment: This sequence change replaces arginine, which is basic and polar, with leucine, which is neutral and non-polar, at codon 354 of the PRPF31 protein (p.Arg354Leu). This variant is not present in population databases (gnomAD no frequency). This variant has not been reported in the literature in individuals affected with PRPF31-related conditions. An algorithm developed to predict the effect of missense changes on protein structure and function (PolyPhen-2) suggests that this variant is likely to be disruptive. In summary, the available evidence is currently insufficient to determine the role of this variant in disease. Therefore, it has been classified as a Variant of Uncertain Significance.

NM_015629.4(PRPF31):c.1061G>T (p.Arg354Leu)

Gene: PRPF31 (pre-mRNA processing factor 31; plus strand). Cytogenetic location: 19q13.42.
Variant type: single nucleotide variant.
Coding change: c.1061G>T on transcript NM_015629.4 (MANE Select); coding-DNA position 1061, G replaced by T.
Protein change: p.Arg354Leu; replaces arginine 354 with leucine.
Molecular consequence: missense variant.
Genome position (GRCh38, 1-based): chr19:54,128,188, G>T. VCF-style: chr19-54128188-G-T. GRCh37 (hg19) VCF-style: chr19-54631563-G-T.
Other names: short protein forms R354L.
Identifiers: ClinVar variation 2800794 (VCV002800794.3), dbSNP rs1249002937, ClinGen allele CA407753427.